The following is an entry in ClinVar:

NM_001079668.3(NKX2-1):c.975G>C (p.Gln325His)

Genes: NKX2-1 (NK2 homeobox 1; minus strand), SFTA3 (surfactant associated 3; minus strand). Cytogenetic location: 14q13.3.
Variant type: single nucleotide variant.
Coding change: c.975G>C on transcript NM_001079668.3 (MANE Select); coding-DNA position 975, G replaced by C.
Protein change: p.Gln325His; replaces glutamine 325 with histidine.
Molecular consequence: missense variant.
Genome position (GRCh38, 1-based): chr14:36,517,509, C>G on the plus strand (G>C on the coding strand, the complement: NKX2-1 is on the minus strand). VCF-style: chr14-36517509-C-G. GRCh37 (hg19) VCF-style: chr14-36986714-C-G.
Other names: c.885G>C, p.Gln295His (NM_003317.4); short protein forms Q325H, Q295H.
Identifiers: ClinVar variation 971826 (VCV000971826.10), dbSNP rs1881085619, ClinGen allele CA389458557.

ClinVar aggregate classification (germline): Uncertain significance (1 of 4 stars; one submission).

Allele frequency attached by ClinVar (database versions not stated): TOPMed 0.00001.

Submission:

Labcorp Genetics (formerly Invitae), Labcorp
Classification: Uncertain significance. Last evaluated: 2024-04-12. Review status: criteria provided, single submitter. Criteria: Invitae Variant Classification Sherloc (09022015). Collection method: clinical testing. Allele origin: germline.
Comment: This sequence change replaces glutamine, which is neutral and polar, with histidine, which is basic and polar, at codon 325 of the NKX2-1 protein (p.Gln325His). This variant is not present in population databases (gnomAD no frequency). This variant has not been reported in the literature in individuals affected with NKX2-1-related conditions. ClinVar contains an entry for this variant (Variation ID: 971826). An algorithm developed to predict the effect of missense changes on protein structure and function (PolyPhen-2) suggests that this variant is likely to be tolerated. In summary, the available evidence is currently insufficient to determine the role of this variant in disease. Therefore, it has been classified as a Variant of Uncertain Significance.